The following is an entry in ClinVar:

NM_001256789.3(CACNA1F):c.2928+1G>A

Gene: CACNA1F (calcium voltage-gated channel subunit alpha1 F; minus strand). Cytogenetic location: Xp11.23.
Variant type: single nucleotide variant.
Coding change: c.2928+1G>A on transcript NM_001256789.3 (MANE Select); the canonical splice donor site of the intron after coding-DNA position 2928, G replaced by A.
Molecular consequence: splice donor variant.
Genome position (GRCh38, 1-based): chrX:49,218,454, C>T on the plus strand (G>A on the coding strand, the complement: CACNA1F is on the minus strand). VCF-style: chrX-49218454-C-T. GRCh37 (hg19) VCF-style: chrX-49074913-C-T.
Other names: c.2961+1G>A (NM_005183.4); c.2766+1G>A (NM_001256790.3).
Identifiers: ClinVar variation 1275766 (VCV001275766.5), dbSNP rs2147908102, ClinGen allele CA412964568.

ClinVar aggregate classification (germline): Pathogenic. Review status: criteria provided, multiple submitters, no conflicts (2 of 4 stars). 2 submissions from 2 submitters: Pathogenic (2). Last evaluated 2023-11-24.

Submissions (2):

Labcorp Genetics (formerly Invitae), Labcorp
Classification: Pathogenic. Last evaluated: 2023-11-24. Review status: criteria provided, single submitter. Criteria: Invitae Variant Classification Sherloc (09022015). Collection method: clinical testing. Allele origin: germline.
Comment: This sequence change affects a donor splice site in intron 24 of the CACNA1F gene. It is expected to disrupt RNA splicing. Variants that disrupt the donor or acceptor splice site typically lead to a loss of protein function (PMID: 16199547), and loss-of-function variants in CACNA1F are known to be pathogenic (PMID: 9662399, 11281458, 17525176, 22194652, 24124559, 26992781). This variant is not present in population databases (gnomAD no frequency). Disruption of this splice site has been observed in individuals with night blindness (PMID: 11281458, 24163243). This variant is also known as IVS24+1G>A. ClinVar contains an entry for this variant (Variation ID: 1275766). Algorithms developed to predict the effect of sequence changes on RNA splicing suggest that this variant may disrupt the consensus splice site. For these reasons, this variant has been classified as Pathogenic.

Institute of Medical Genetics and Applied Genomics, University Hospital Tübingen
Classification: Pathogenic. Last evaluated: 2021-09-15. Review status: criteria provided, single submitter. Criteria: ACMG Guidelines, 2015. Collection method: clinical testing. Allele origin: germline. Inheritance: X-linked recessive inheritance. Affected: yes.

Literature cited by the submitters: PubMed 16199547 (cited by Labcorp Genetics (formerly Invitae), Labcorp); PubMed 9662399 (cited by Labcorp Genetics (formerly Invitae), Labcorp); PubMed 11281458 (cited by Labcorp Genetics (formerly Invitae), Labcorp); PubMed 17525176 (cited by Labcorp Genetics (formerly Invitae), Labcorp); PubMed 22194652 (cited by Labcorp Genetics (formerly Invitae), Labcorp); PubMed 24124559 (cited by Labcorp Genetics (formerly Invitae), Labcorp); PubMed 26992781 (cited by Labcorp Genetics (formerly Invitae), Labcorp); PubMed 24163243 (cited by Labcorp Genetics (formerly Invitae), Labcorp).